The following is an entry in ClinVar:

ClinVar aggregate classification (germline): Uncertain significance (1 of 4 stars; one submission).

gnomAD v4.1: 2 of 1,205,995 alleles (0.00017%); highest among the groups gnomAD compares: African/African-American, 0.0018%; no homozygotes.

Submission:

Labcorp Genetics (formerly Invitae), Labcorp
Classification: Uncertain significance. Last evaluated: 2026-01-21. Review status: criteria provided, single submitter. Criteria: Invitae Variant Classification Sherloc (09022015). Collection method: clinical testing. Allele origin: germline.
Comment: This sequence change replaces glycine, which is neutral and non-polar, with arginine, which is basic and polar, at codon 576 of the ALAS2 protein (p.Gly576Arg). The frequency data for this variant in the population databases is considered unreliable, as metrics indicate poor data quality at this position in the gnomAD database. This variant has not been reported in the literature in individuals affected with ALAS2-related conditions. Invitae Evidence Modeling of protein sequence and biophysical properties (such as structural, functional, and spatial information, amino acid conservation, physicochemical variation, residue mobility, and thermodynamic stability) has been performed for this missense variant. However, the output from this modeling did not meet the statistical confidence thresholds required to predict the impact of this variant on ALAS2 protein function. In summary, the available evidence is currently insufficient to determine the role of this variant in disease. Therefore, it has been classified as a Variant of Uncertain Significance.

NM_000032.5(ALAS2):c.1726G>A (p.Gly576Arg)

Gene: ALAS2 (5'-aminolevulinate synthase 2; minus strand). Cytogenetic location: Xp11.21.
Variant type: single nucleotide variant.
Coding change: c.1726G>A on transcript NM_000032.5 (MANE Select); coding-DNA position 1726, G replaced by A.
Protein change: p.Gly576Arg; replaces glycine 576 with arginine.
Molecular consequence: missense variant.
Genome position (GRCh38, 1-based): chrX:55,009,218, C>T on the plus strand (G>A on the coding strand, the complement: ALAS2 is on the minus strand). VCF-style: chrX-55009218-C-T. GRCh37 (hg19) VCF-style: chrX-55035651-C-T.
Other names: c.1615G>A, p.Gly539Arg (NM_001037967.4); c.1687G>A, p.Gly563Arg (NM_001037968.4); short protein forms G563R, G576R, G539R.
Identifiers: ClinVar variation 4776607 (VCV004776607.1).